The following is an entry in ClinVar:

NM_017617.5(NOTCH1):c.3110A>C (p.Gln1037Pro)

Gene: NOTCH1 (notch receptor 1; minus strand). Cytogenetic location: 9q34.3.
Variant type: single nucleotide variant.
Coding change: c.3110A>C on transcript NM_017617.5 (MANE Select); coding-DNA position 3110, A replaced by C.
Protein change: p.Gln1037Pro; replaces glutamine 1037 with proline.
Molecular consequence: missense variant.
Genome position (GRCh38, 1-based): chr9:136,508,931, T>G on the plus strand (A>C on the coding strand, the complement: NOTCH1 is on the minus strand). VCF-style: chr9-136508931-T-G. GRCh37 (hg19) VCF-style: chr9-139403383-T-G.
Other names: c.3110A>C (NM_017617.3); short protein forms Q1037P.
Identifiers: ClinVar variation 1413128 (VCV001413128.9), dbSNP rs1408874772, ClinGen allele CA375552763.

ClinVar aggregate classification (germline): Uncertain significance. Review status: criteria provided, multiple submitters, no conflicts (2 of 4 stars). 2 submissions from 2 submitters: Uncertain significance (2). Last evaluated 2023-07-19.

Conditions:
Adams-Oliver syndrome 5 (AOS5). Identifiers: Orphanet 974, MedGen C4014970, MONDO:0014459, OMIM 616028.

Allele frequency attached by ClinVar (database versions not stated): gnomAD exomes below 0.00001; TOPMed 0.00001; gnomAD 0.00003.

Submissions (2):

GeneDx
Classification: Uncertain significance. Last evaluated: 2023-07-19. Review status: criteria provided, single submitter. Criteria: GeneDx Variant Classification Process June 2021. Collection method: clinical testing. Allele origin: germline. Affected: yes.
Comment: Not observed at significant frequency in large population cohorts (gnomAD); In silico analysis supports that this missense variant has a deleterious effect on protein structure/function; Has not been previously published as pathogenic or benign to our knowledge

Labcorp Genetics (formerly Invitae), Labcorp
Classification: Uncertain significance for Adams-Oliver syndrome 5. Last evaluated: 2022-02-28. Review status: criteria provided, single submitter. Criteria: Invitae Variant Classification Sherloc (09022015). Collection method: clinical testing. Allele origin: germline.
Comment: This sequence change replaces glutamine, which is neutral and polar, with proline, which is neutral and non-polar, at codon 1037 of the NOTCH1 protein (p.Gln1037Pro). Advanced modeling of protein sequence and biophysical properties (such as structural, functional, and spatial information, amino acid conservation, physicochemical variation, residue mobility, and thermodynamic stability) performed at Invitae indicates that this missense variant is not expected to disrupt NOTCH1 protein function. This variant has not been reported in the literature in individuals affected with NOTCH1-related conditions. This variant is not present in population databases (gnomAD no frequency). In summary, the available evidence is currently insufficient to determine the role of this variant in disease. Therefore, it has been classified as a Variant of Uncertain Significance.